The following is an entry in ClinVar:

ClinVar aggregate classification (germline): Likely pathogenic. Review status: criteria provided, multiple submitters, no conflicts (2 of 4 stars). 2 submissions from 2 submitters: Likely pathogenic (2). Last evaluated 2023-11-15.

Conditions:
Chondrodysplasia punctata, brachytelephalangic, autosomal. Also called: BRACHYTELEPHALANGIC CHONDRODYSPLASIA PUNCTATA. Identifiers: MedGen C1844853, MONDO:0011238, OMIM 602497.

Submissions (2):

GeneDx
Classification: Likely pathogenic. Last evaluated: 2023-11-15. Review status: criteria provided, single submitter. Criteria: GeneDx Variant Classification Process June 2021. Collection method: clinical testing. Allele origin: germline. Affected: yes.
Comment: Canonical splice site variant expected to result in aberrant splicing, although in the absence of functional evidence the actual effect of this sequence change is unknown.; Not observed at significant frequency in large population cohorts (gnomAD); Has not been previously published as pathogenic or benign to our knowledge

Labcorp Genetics (formerly Invitae), Labcorp
Classification: Likely pathogenic for Chondrodysplasia punctata, brachytelephalangic, autosomal. Last evaluated: 2023-11-10. Review status: criteria provided, single submitter. Criteria: Invitae Variant Classification Sherloc (09022015). Collection method: clinical testing. Allele origin: germline.
Comment: This sequence change affects an acceptor splice site in intron 2 of the ARSE gene. It is expected to disrupt RNA splicing. Variants that disrupt the donor or acceptor splice site typically lead to a loss of protein function (PMID: 16199547), and loss-of-function variants in ARSE are known to be pathogenic (PMID: 9497243, 23470839). This variant is not present in population databases (gnomAD no frequency). This variant has not been reported in the literature in individuals affected with ARSE-related conditions. Algorithms developed to predict the effect of sequence changes on RNA splicing suggest that this variant may disrupt the consensus splice site. In summary, the currently available evidence indicates that the variant is pathogenic, but additional data are needed to prove that conclusively. Therefore, this variant has been classified as Likely Pathogenic.

Literature cited by the submitters: PubMed 16199547 (cited by Labcorp Genetics (formerly Invitae), Labcorp); PubMed 9497243 (cited by Labcorp Genetics (formerly Invitae), Labcorp); PubMed 23470839 (cited by Labcorp Genetics (formerly Invitae), Labcorp).

NM_000047.3(ARSL):c.24-2A>G

Gene: ARSL (arylsulfatase L; minus strand). Cytogenetic location: Xp22.33.
Variant type: single nucleotide variant.
Coding change: c.24-2A>G on transcript NM_000047.3 (MANE Select); the canonical splice acceptor site of the intron before coding-DNA position 24, A replaced by G.
Molecular consequence: splice acceptor variant. On other transcripts: intron variant (1).
Genome position (GRCh38, 1-based): chrX:2,958,437, T>C on the plus strand (A>G on the coding strand, the complement: ARSL is on the minus strand). VCF-style: chrX-2958437-T-C. GRCh37 (hg19) VCF-style: chrX-2876478-T-C.
Other names: c.99-2A>G (NM_001282628.2, NM_001369080.1); c.23+1941A>G (NM_001282631.2); c.51-2A>G (NM_001369079.1).
Identifiers: ClinVar variation 2694715 (VCV002694715.4), dbSNP rs2518385575, ClinGen allele CA412268839.